The following is an entry in ClinVar:

NM_001080476.3(GRXCR1):c.457T>G (p.Phe153Val)

Gene: GRXCR1 (glutaredoxin and cysteine rich domain containing 1; plus strand). Cytogenetic location: 4p13.
Variant type: single nucleotide variant.
Coding change: c.457T>G on transcript NM_001080476.3 (MANE Select); coding-DNA position 457, T replaced by G.
Protein change: p.Phe153Val; replaces phenylalanine 153 with valine.
Molecular consequence: missense variant.
Genome position (GRCh38, 1-based): chr4:42,962,964, T>G. VCF-style: chr4-42962964-T-G. GRCh37 (hg19) VCF-style: chr4-42964981-T-G.
Other names: short protein forms F153V.
Identifiers: ClinVar variation 2444002 (VCV002444002.2), dbSNP rs770874273, ClinGen allele CA2904411.

ClinVar aggregate classification (germline): Pathogenic (0 of 4 stars; one submission).

Conditions:
Autosomal recessive nonsyndromic hearing loss 25. Identifiers: Orphanet 90636, MedGen C1414017, MONDO:0013210, OMIM 613285.

Allele frequency attached by ClinVar (database versions not stated): TOPMed below 0.00001; gnomAD 0.00001; gnomAD exomes 0.00002; ExAC 0.00003.
gnomAD v4.1: 23 of 1,612,866 alleles (0.0014%); highest among the groups gnomAD compares: South Asian, 0.024%; no homozygotes.

Submission:

Payam Genetics Center, General Welfare Department of North Khorasan Province
Classification: Pathogenic for Autosomal recessive nonsyndromic hearing loss 25. Last evaluated: 2023-01-01. Review status: no assertion criteria provided. Collection method: clinical testing. Allele origin: germline. Affected: yes. Observed: 1 variant allele.
Comment: This mutation is a missense SNV(p.Phe153Val) in the GRXCR1gene. It is expected to result in an non-functional or disrupted protein product. Loss-of-function variants in GRXCR1 are known to be pathogenic (PMID:36672810,34753855,38160907). This variant is not present inp population databases (gnomAD no frequency). This variant has not been reported in the literature in individuals affected with PANK2-related conditions. For these reasons, this variant has been classified as Pathogenic.

Literature cited by the submitters: PubMed 36672810; PubMed 34753855; PubMed 16380907.